The following is an entry in ClinVar:

ClinVar aggregate classification (germline): Uncertain significance. Review status: criteria provided, multiple submitters, no conflicts (2 of 4 stars). 2 submissions from 2 submitters: Uncertain significance (2). Last evaluated 2025-11-03.

Conditions:
Hereditary cancer-predisposing syndrome. Also called: Hereditary neoplastic syndrome; Neoplastic Syndromes, Hereditary; Hereditary Cancer Syndrome; Tumor predisposition. Identifiers: Orphanet 140162, MedGen C0027672, MeSH D009386, MONDO:0015356.

gnomAD v4.1: 1 of 1,611,414 alleles (0.000062%); no homozygotes.

Submissions (2):

Ambry Genetics
Classification: Uncertain significance for Hereditary cancer-predisposing syndrome. Last evaluated: 2025-11-03. Review status: criteria provided, single submitter. Criteria: Ambry Variant Classification Scheme 2023. Collection method: clinical testing. Allele origin: germline.
Comment: The p.G963C variant (also known as c.2887G>T), located in coding exon 25 of the POLE gene, results from a G to T substitution at nucleotide position 2887. The glycine at codon 963 is replaced by cysteine, an amino acid with highly dissimilar properties. This amino acid position is highly conserved in available vertebrate species. In addition, this alteration is predicted to be deleterious by in silico analysis. Based on the available evidence, the clinical significance of this variant remains unclear.

Labcorp Genetics (formerly Invitae), Labcorp
Classification: Uncertain significance. Last evaluated: 2022-09-22. Review status: criteria provided, single submitter. Criteria: Invitae Variant Classification Sherloc (09022015). Collection method: clinical testing. Allele origin: germline.
Comment: In summary, the available evidence is currently insufficient to determine the role of this variant in disease. Therefore, it has been classified as a Variant of Uncertain Significance. Advanced modeling of protein sequence and biophysical properties (such as structural, functional, and spatial information, amino acid conservation, physicochemical variation, residue mobility, and thermodynamic stability) performed at Invitae indicates that this missense variant is expected to disrupt POLE protein function. This variant has not been reported in the literature in individuals affected with POLE-related conditions. This variant is not present in population databases (gnomAD no frequency). This sequence change replaces glycine, which is neutral and non-polar, with cysteine, which is neutral and slightly polar, at codon 963 of the POLE protein (p.Gly963Cys).

NM_006231.4(POLE):c.2887G>T (p.Gly963Cys)

Gene: POLE (DNA polymerase epsilon, catalytic subunit; minus strand). Cytogenetic location: 12q24.33.
Variant type: single nucleotide variant.
Coding change: c.2887G>T on transcript NM_006231.4 (MANE Select); coding-DNA position 2887, G replaced by T.
Protein change: p.Gly963Cys; replaces glycine 963 with cysteine.
Molecular consequence: missense variant.
Genome position (GRCh38, 1-based): chr12:132,661,142, C>A on the plus strand (G>T on the coding strand, the complement: POLE is on the minus strand). VCF-style: chr12-132661142-C-A. GRCh37 (hg19) VCF-style: chr12-133237728-C-A.
Other names: c.2887G>T (NM_006231.2); short protein forms G963C.
Identifiers: ClinVar variation 1720050 (VCV001720050.6), dbSNP rs751237672, ClinGen allele CA387392856.
Genomic context (GRCh38, chr12:132,661,142, plus strand): 5'-TAATCAGCTGCAGTTCCCCGCGGCGTTTGACCTCAAAGCCCTTGAGCTCAGCCAGAGAAC[C>A]GTCTTCATTGAACACAGCATACCTGAAAAAAAAAAAAAAGGCAAGCACAGCAGTGGCAAG-3'
Protein context (NP_006222.2, residues 953-973): KKRYAVFNED[Gly963Cys]SLAELKGFEV